The following is an entry in ClinVar:

NM_001286445.3(RIPOR2):c.1370T>A (p.Met457Lys)

Gene: RIPOR2 (RHO family interacting cell polarization regulator 2; minus strand). Cytogenetic location: 6p22.3.
Variant type: single nucleotide variant.
Coding change: c.1370T>A on transcript NM_001286445.3 (MANE Select); coding-DNA position 1370, T replaced by A.
Protein change: p.Met457Lys; replaces methionine 457 with lysine.
Molecular consequence: missense variant.
Genome position (GRCh38, 1-based): chr6:24,843,349, A>T on the plus strand (T>A on the coding strand, the complement: RIPOR2 is on the minus strand). VCF-style: chr6-24843349-A-T. GRCh37 (hg19) VCF-style: chr6-24843577-A-T.
Other names: c.1385T>A, p.Met462Lys (NM_001286446.3); c.1283T>A, p.Met428Lys (NM_001286447.2, NM_001346031.2, NM_001346032.2 and 1 more transcripts); c.1433T>A, p.Met478Lys (NM_014722.5); short protein forms M428K, M457K, M462K, M478K.
Identifiers: ClinVar variation 3342523 (VCV003342523.1).

ClinVar aggregate classification (germline): Uncertain significance (1 of 4 stars; one submission).

gnomAD v4.1: 1 of 1,613,842 alleles (0.000062%); highest among the groups gnomAD compares: Non-Finnish European, 0.000085%; no homozygotes.

Submission:

GeneDx
Classification: Uncertain significance. Last evaluated: 2022-05-16. Review status: criteria provided, single submitter. Criteria: GeneDx Variant Classification Process June 2021. Collection method: clinical testing. Allele origin: germline. Affected: yes.
Comment: Not observed at significant frequency in large population cohorts (gnomAD); In silico analysis supports that this missense variant does not alter protein structure/function; Has not been previously published as pathogenic or benign to our knowledge; Variants in candidate genes are classified as variants of uncertain significance in accordance with ACMG guidelines (Richards et al., 2015)